The following is an entry in ClinVar:

ClinVar aggregate classification (germline): Likely benign (1 of 4 stars; one submission).

Allele frequency attached by ClinVar (database versions not stated): ESP Exome Variant Server 0.00119; TOPMed 0.00121; gnomAD 0.00154; gnomAD exomes 0.00180; ExAC 0.00186.
gnomAD v4.1: 2,824 of 1,613,708 alleles (0.18%); highest among the groups gnomAD compares: Non-Finnish European, 0.22%; 4 homozygotes.

Submission:

CeGaT Center for Human Genetics Tuebingen
Classification: Likely benign. Last evaluated: 2024-04-01. Review status: criteria provided, single submitter. Criteria: CeGaT Center For Human Genetics Tuebingen Variant Classification Criteria Version 2. Collection method: clinical testing. Allele origin: germline. Affected: yes. Observed: 1 variant allele.
Comment: ABCA13: BP4, BS1

NM_152701.5(ABCA13):c.5633C>T (p.Ser1878Phe)

Gene: ABCA13 (ATP binding cassette subfamily A member 13; plus strand). Cytogenetic location: 7p12.3.
Variant type: single nucleotide variant.
Coding change: c.5633C>T on transcript NM_152701.5 (MANE Select); coding-DNA position 5633, C replaced by T.
Protein change: p.Ser1878Phe; replaces serine 1878 with phenylalanine.
Molecular consequence: missense variant.
Genome position (GRCh38, 1-based): chr7:48,275,299, C>T. VCF-style: chr7-48275299-C-T. GRCh37 (hg19) VCF-style: chr7-48314896-C-T.
Other names: short protein forms S1878F.
Identifiers: ClinVar variation 3234160 (VCV003234160.20), dbSNP rs200132906, ClinGen allele CA4257226.